The following is an entry in ClinVar:

NM_001371928.1(AHDC1):c.4570C>T (p.Pro1524Ser)

Gene: AHDC1 (AT-hook DNA binding motif containing 1; minus strand). Cytogenetic location: 1p36.11.
Variant type: single nucleotide variant.
Coding change: c.4570C>T on transcript NM_001371928.1 (MANE Select); coding-DNA position 4570, C replaced by T.
Protein change: p.Pro1524Ser; replaces proline 1524 with serine.
Molecular consequence: missense variant.
Genome position (GRCh38, 1-based): chr1:27,547,546, G>A on the plus strand (C>T on the coding strand, the complement: AHDC1 is on the minus strand). VCF-style: chr1-27547546-G-A. GRCh37 (hg19) VCF-style: chr1-27874057-G-A.
Other names: c.4570C>T, p.Pro1524Ser (NM_001029882.3); short protein forms P1524S.
Identifiers: ClinVar variation 3907945 (VCV003907945.1).

ClinVar aggregate classification (germline): Uncertain significance (1 of 4 stars; one submission).

Submission:

GeneDx
Classification: Uncertain significance. Last evaluated: 2024-12-26. Review status: criteria provided, single submitter. Criteria: GeneDx Variant Classification Process June 2021. Collection method: clinical testing. Allele origin: germline. Affected: yes.
Comment: Not observed at significant frequency in large population cohorts (gnomAD); In silico analysis indicates that this missense variant does not alter protein structure/function; Has not been previously published as pathogenic or benign to our knowledge